The following is an entry in ClinVar:

NM_033109.5(PNPT1):c.1960C>T (p.Pro654Ser)

Gene: PNPT1 (polyribonucleotide nucleotidyltransferase 1; minus strand). Cytogenetic location: 2p16.1.
Variant type: single nucleotide variant.
Coding change: c.1960C>T on transcript NM_033109.5 (MANE Select); coding-DNA position 1960, C replaced by T.
Protein change: p.Pro654Ser; replaces proline 654 with serine.
Molecular consequence: missense variant.
Genome position (GRCh38, 1-based): chr2:55,643,372, G>A on the plus strand (C>T on the coding strand, the complement: PNPT1 is on the minus strand). VCF-style: chr2-55643372-G-A. GRCh37 (hg19) VCF-style: chr2-55870507-G-A.
Other names: p.P654S:CCC>TCC; short protein forms P654S.
Identifiers: ClinVar variation 215011 (VCV000215011.2), dbSNP rs765801538, ClinGen allele CA324715.

ClinVar aggregate classification (germline): Uncertain significance (1 of 4 stars; one submission).

Allele frequency attached by ClinVar (database versions not stated): ExAC 0.00001; gnomAD exomes below 0.00001.
gnomAD v4.1: 4 of 1,614,176 alleles (0.00025%); highest among the groups gnomAD compares: Non-Finnish European, 0.00025%; no homozygotes.

Submission:

GeneDx
Classification: Uncertain significance. Last evaluated: 2014-04-01. Review status: criteria provided, single submitter. Criteria: GeneDx Variant Classification (06012015). Collection method: clinical testing. Allele origin: germline. Affected: yes.
Comment: p.Pro654Ser (CCC>TCC): c.1960 C>T in exon 24 of the PNPT1 gene (NM_033109.4)A variant of unknown significance has been identified in the PNPT1 gene. The P654S variant has not been published as a mutation, nor has it been reported as a benign polymorphism to our knowledge. The P654S variant is a non-conservative amino acid substitution, which is likely to impact secondary protein structure as these residues differ in polarity, charge, size and/or other properties. This substitution occurs at a position that is conserved across species. In silico analysis predicts this variant likely does not alter the protein structure/function. Therefore, based on the currently available information, it is unclear whether this variant is a pathogenic mutation or a rare benign variant. The variant is found in LSME-MITOP panel(s).